The following is an entry in ClinVar:

NM_004629.2(FANCG):c.832dup (p.Ala278fs)

Gene: FANCG (FA complementation group G; minus strand). Cytogenetic location: 9p13.3.
Variant type: Duplication.
Coding change: c.832dup on transcript NM_004629.2 (MANE Select); coding-DNA position 832, one base duplicated (G; older notation c.832dupG).
Protein change: p.Ala278fs; shifts the reading frame from alanine 278.
Molecular consequence: frameshift variant.
Genome position (GRCh38, 1-based): chr9:35,076,816, C duplicated on the plus strand (G on the coding strand, the reverse complement: FANCG is on the minus strand). VCF-style (leftmost placement, unchanged base first): chr9-35076815-G-GC. GRCh37 (hg19) VCF-style: chr9-35076812-G-GC.
Other names: short protein forms A278fs.
Identifiers: ClinVar variation 1454833 (VCV001454833.6), dbSNP rs1290655946, ClinGen allele CA587568855.

ClinVar aggregate classification (germline): Pathogenic (1 of 4 stars; one submission).

Conditions:
Fanconi anemia (FA). Also called: Fanconi's anemia. Identifiers: Orphanet 84, MedGen C0015625, MeSH D005199, MONDO:0019391.

Allele frequency attached by ClinVar (database versions not stated): gnomAD exomes below 0.00001 and 0.00001; gnomAD 0.00003 and 0.00004.

Submission:

Labcorp Genetics (formerly Invitae), Labcorp
Classification: Pathogenic for Fanconi anemia. Last evaluated: 2021-10-23. Review status: criteria provided, single submitter. Criteria: Invitae Variant Classification Sherloc (09022015). Collection method: clinical testing. Allele origin: germline.
Comment: This variant is not present in population databases (ExAC no frequency). This premature translational stop signal has been observed in individual(s) with FANCG-related conditions (PMID: 24989076). This variant is also known as c.832insG. For these reasons, this variant has been classified as Pathogenic. This sequence change creates a premature translational stop signal (p.Ala278Glyfs*11) in the FANCG gene. It is expected to result in an absent or disrupted protein product. Loss-of-function variants in FANCG are known to be pathogenic (PMID: 12552564).

Literature cited by the submitters: PubMed 24989076; PubMed 12552564.